The following is an entry in ClinVar:

NM_001171.6(ABCC6):c.4254del (p.Lys1419fs)

Gene: ABCC6 (ATP binding cassette subfamily C member 6; minus strand). Cytogenetic location: 16p13.11.
Variant type: Deletion.
Coding change: c.4254del on transcript NM_001171.6 (MANE Select); coding-DNA position 4254, one base deleted (G; older notation c.4254delG).
Protein change: p.Lys1419fs; shifts the reading frame from lysine 1419.
Molecular consequence: frameshift variant. On other transcripts: non-coding transcript variant (1).
Genome position (GRCh38, 1-based): chr16:16,150,727, C deleted on the plus strand (G on the coding strand, the reverse complement: ABCC6 is on the minus strand); the first of 2 consecutive C bases (chr16:16,150,727-16,150,728); deleting either gives the same sequence. VCF-style (leftmost placement, unchanged base first): chr16-16150726-TC-T. GRCh37 (hg19) VCF-style: chr16-16244583-TC-T.
Other names: c.3912del, p.Lys1305fs (NM_001351800.1); short protein forms K1305fs, K1419fs.
Identifiers: ClinVar variation 433526 (VCV000433526.9), dbSNP rs1448934731, ClinGen allele CA621656837.

ClinVar aggregate classification (germline): Pathogenic/Likely pathogenic. Review status: criteria provided, multiple submitters, no conflicts (2 of 4 stars). 3 submissions from 3 submitters: Pathogenic (1); Likely pathogenic (1). 1 of the submissions does not count toward it. Last evaluated 2025-10-03.

Conditions:
Arterial calcification, generalized, of infancy, 2. Identifiers: Orphanet 51608, MedGen C3276161, MONDO:0013768, OMIM 614473.
Autosomal recessive inherited pseudoxanthoma elasticum (PXE). Identifiers: Orphanet 758, MedGen CN032334, MONDO:0009925, OMIM 264800.
Pseudoxanthoma elasticum, forme fruste. Also called: Pseudoxanthoma Elasticum, Incomplete; PSEUDOXANTHOMA ELASTICUM, HETEROZYGOUS. Identifiers: Orphanet 758, MedGen C1867450, MONDO:0008333, OMIM 177850.

Submissions (3):

Labcorp Genetics (formerly Invitae), Labcorp
Classification: Pathogenic. Last evaluated: 2025-10-03. Review status: criteria provided, single submitter. Criteria: Invitae Variant Classification Sherloc (09022015). Collection method: clinical testing. Allele origin: germline.
Comment: This sequence change creates a premature translational stop signal (p.Lys1419Argfs*45) in the ABCC6 gene. While this is not anticipated to result in nonsense mediated decay, it is expected to disrupt the last 85 amino acid(s) of the ABCC6 protein. This variant is present in population databases (no rsID available, gnomAD 0.01%). This premature translational stop signal has been observed in individual(s) with pseudoxanthoma elasticum (PMID: 25615550; internal data). ClinVar contains an entry for this variant (Variation ID: 433526). This variant disrupts a region of the ABCC6 protein in which other variant(s) (p.Glu1427Lys) have been determined to be pathogenic (PMID: 19284998, 28186352, 34906475). This suggests that this is a clinically significant region of the protein, and that variants that disrupt it are likely to be disease-causing. For these reasons, this variant has been classified as Pathogenic.

Fulgent Genetics
Classification: Likely pathogenic for Pseudoxanthoma elasticum, forme fruste; Autosomal recessive inherited pseudoxanthoma elasticum; Arterial calcification, generalized, of infancy, 2. Last evaluated: 2023-12-29. Review status: criteria provided, single submitter. Criteria: ACMG Guidelines, 2015. Collection method: clinical testing. Allele origin: germline.

PXE International
Classification: Likely pathogenic for Autosomal recessive inherited pseudoxanthoma elasticum. Last evaluated: 2021-03-02. Review status: no assertion criteria provided. Collection method: research. Allele origin: germline. Inheritance: Autosomal recessive inheritance. Affected: yes. Observed: 1 variant allele. Not counted in ClinVar's aggregate classification.

Literature cited by the submitters: PubMed 25615550 (cited by Labcorp Genetics (formerly Invitae), Labcorp); PubMed 19284998 (cited by Labcorp Genetics (formerly Invitae), Labcorp); PubMed 28186352 (cited by Labcorp Genetics (formerly Invitae), Labcorp); PubMed 34906475 (cited by Labcorp Genetics (formerly Invitae), Labcorp).